The following is an entry in ClinVar:

NM_005045.4(RELN):c.4752G>A (p.Lys1584=)

Gene: RELN (reelin; minus strand). Cytogenetic location: 7q22.1.
Variant type: single nucleotide variant.
Coding change: c.4752G>A on transcript NM_005045.4 (MANE Select); coding-DNA position 4752, G replaced by A.
Protein change: p.Lys1584=; no amino-acid change (lysine 1584 retained).
Molecular consequence: synonymous variant.
Genome position (GRCh38, 1-based): chr7:103,566,408, C>T on the plus strand (G>A on the coding strand, the complement: RELN is on the minus strand). VCF-style: chr7-103566408-C-T. GRCh37 (hg19) VCF-style: chr7-103206855-C-T.
Other names: c.4752G>A, p.Lys1584= (NM_173054.3).
Identifiers: ClinVar variation 1879697 (VCV001879697.29), dbSNP rs2484743516, ClinGen allele CA457020953.

ClinVar aggregate classification (germline): Likely benign (1 of 4 stars; one submission).

Submission:

CeGaT Center for Human Genetics Tuebingen
Classification: Likely benign. Last evaluated: 2022-11-01. Review status: criteria provided, single submitter. Criteria: CeGaT Center For Human Genetics Tuebingen Variant Classification Criteria Version 2. Collection method: clinical testing. Allele origin: germline. Affected: yes. Observed: 1 variant allele.
Comment: RELN: PM2:Supporting, BP4, BP7